The following is an entry in ClinVar:

NM_005618.4(DLL1):c.1867G>A (p.Gly623Arg)

Gene: DLL1 (delta like canonical Notch ligand 1; minus strand). Cytogenetic location: 6q27.
Variant type: single nucleotide variant.
Coding change: c.1867G>A on transcript NM_005618.4 (MANE Select); coding-DNA position 1867, G replaced by A.
Protein change: p.Gly623Arg; replaces glycine 623 with arginine.
Molecular consequence: missense variant.
Genome position (GRCh38, 1-based): chr6:170,283,412, C>T on the plus strand (G>A on the coding strand, the complement: DLL1 is on the minus strand). VCF-style: chr6-170283412-C-T. GRCh37 (hg19) VCF-style: chr6-170592500-C-T.
Other names: c.1867G>A (NM_005618.3); short protein forms G623R.
Identifiers: ClinVar variation 2185047 (VCV002185047.3), dbSNP rs763858182, ClinGen allele CA4106700.

ClinVar aggregate classification (germline): Uncertain significance. Review status: criteria provided, multiple submitters, no conflicts (2 of 4 stars). 2 submissions from 2 submitters: Uncertain significance (2). Last evaluated 2025-02-28.

Conditions:
Inborn genetic diseases. Identifiers: MedGen C0950123, MeSH D030342.

Allele frequency attached by ClinVar (database versions not stated): gnomAD 0.00001; ExAC 0.00002; gnomAD exomes 0.00002; TOPMed 0.00002.
gnomAD v4.1: 26 of 1,610,962 alleles (0.0016%); highest among the groups gnomAD compares: East Asian, 0.0022%; no homozygotes.

Submissions (2):

Ambry Genetics
Classification: Uncertain significance for Inborn genetic diseases. Last evaluated: 2025-02-28. Review status: criteria provided, single submitter. Criteria: Ambry Variant Classification Scheme 2023. Collection method: clinical testing. Allele origin: germline.

Labcorp Genetics (formerly Invitae), Labcorp
Classification: Uncertain significance. Last evaluated: 2022-07-20. Review status: criteria provided, single submitter. Criteria: Invitae Variant Classification Sherloc (09022015). Collection method: clinical testing. Allele origin: germline.
Comment: In summary, the available evidence is currently insufficient to determine the role of this variant in disease. Therefore, it has been classified as a Variant of Uncertain Significance. Algorithms developed to predict the effect of missense changes on protein structure and function output the following: SIFT: "Deleterious"; PolyPhen-2: "Benign"; Align-GVGD: "Class C0". The arginine amino acid residue is found in multiple mammalian species, which suggests that this missense change does not adversely affect protein function. This variant has not been reported in the literature in individuals affected with DLL1-related conditions. This variant is present in population databases (rs763858182, gnomAD 0.006%). This sequence change replaces glycine, which is neutral and non-polar, with arginine, which is basic and polar, at codon 623 of the DLL1 protein (p.Gly623Arg).